The following is an entry in ClinVar:

ClinVar aggregate classification (germline): Conflicting classifications of pathogenicity. Review status: criteria provided, conflicting classifications (1 of 4 stars). 2 submissions from 2 submitters: Uncertain significance (1); Likely benign (1). Last evaluated 2025-07-08.

Conditions:
Hereditary breast ovarian cancer syndrome. Also called: BRCA1- and BRCA2-Associated Hereditary Breast and Ovarian Cancer; Hereditary breast and ovarian cancer; Hereditary breast and ovarian cancer syndrome; Breast and ovarian cancer; Hereditary breast and ovarian cancer syndrome (HBOC); Hereditary breast and/or ovarian cancer syndrome. Identifiers: Orphanet 145, MedGen C0677776, MeSH D061325, MONDO:0003582. Disease mechanism: loss of function.

gnomAD v4.1: 1 of 1,614,126 alleles (0.000062%); highest among the groups gnomAD compares: Middle Eastern, 0.016%; no homozygotes.

Submissions (2):

Labcorp Genetics (formerly Invitae), Labcorp
Classification: Likely benign for Hereditary breast ovarian cancer syndrome. Last evaluated: 2025-07-08. Review status: criteria provided, single submitter. Criteria: Invitae Variant Classification Sherloc (09022015). Collection method: clinical testing. Allele origin: germline.

GeneDx
Classification: Uncertain significance. Last evaluated: 2024-01-16. Review status: criteria provided, single submitter. Criteria: GeneDx Variant Classification Process June 2021. Collection method: clinical testing. Allele origin: germline. Affected: yes.
Comment: Not observed at significant frequency in large population cohorts (gnomAD); In silico analysis supports that this variant does not alter splicing; Has not been previously published as pathogenic or benign to our knowledge; Also known as 3644T>C

NM_007294.4(BRCA1):c.3525T>C (p.Ala1175=)

Genes: BRCA1 (BRCA1 DNA repair associated; minus strand), LOC126862571 (BRD4-independent group 4 enhancer GRCh37_chr17:41243136-41244335; plus strand). Cytogenetic location: 17q21.31.
Variant type: single nucleotide variant.
Coding change: c.3525T>C on transcript NM_007294.4 (MANE Select); coding-DNA position 3525, T replaced by C.
Protein change: p.Ala1175=; no amino-acid change (alanine 1175 retained).
Molecular consequence: synonymous variant. On other transcripts: intron variant (135).
Genome position (GRCh38, 1-based): chr17:43,092,006, A>G on the plus strand (T>C on the coding strand, the complement: BRCA1 is on the minus strand). VCF-style: chr17-43092006-A-G. GRCh37 (hg19) VCF-style: chr17-41244023-A-G.
Other names: c.3312T>C, p.Ala1104= (NM_001407571.1, NM_001407853.1, NM_001407894.1 and 9 more transcripts); c.3525T>C, p.Ala1175= (NM_001407581.1, NM_001407582.1, NM_001407583.1 and 30 more transcripts); c.3522T>C, p.Ala1174= (NM_001407587.1, NM_001407590.1, NM_001407591.1 and 22 more transcripts); c.3516T>C, p.Ala1172= (NM_001407646.1, NM_001407647.1); c.3402T>C, p.Ala1134= (NM_001407648.1, NM_001407664.1, NM_001407665.1 and 19 more transcripts); c.3399T>C, p.Ala1133= (NM_001407649.1, NM_001407670.1, NM_001407671.1 and 11 more transcripts); c.3447T>C, p.Ala1149= (NM_001407653.1, NM_001407654.1, NM_001407655.1 and 4 more transcripts); c.3444T>C, p.Ala1148= (NM_001407659.1, NM_001407660.1, NM_001407661.1 and 1 more transcripts); and 41 more.
Identifiers: ClinVar variation 3018206 (VCV003018206.4), dbSNP rs1131692086, ClinGen allele CA500232065.